The following is an entry in ClinVar:

ClinVar aggregate classification (germline): Pathogenic/Likely pathogenic. Review status: criteria provided, multiple submitters, no conflicts (2 of 4 stars). 7 submissions from 7 submitters: Pathogenic (2); Likely pathogenic (5). Last evaluated 2026-01-18.

Conditions:
Inherited MMR deficiency (Lynch syndrome).
Hereditary nonpolyposis colon cancer (HNPCC). Also called: Hereditary Nonpolyposis Colorectal Cancer Syndrome; Hereditary nonpolyposis colorectal cancer; Familial nonpolyposis colon cancer. Identifiers: Orphanet 443909, MedGen C1333990, MONDO:0018630. Disease mechanism: loss of function.
Hereditary nonpolyposis colorectal neoplasms. Identifiers: MedGen C0009405, MeSH D003123.
Hereditary cancer-predisposing syndrome. Also called: Neoplastic Syndromes, Hereditary; Tumor predisposition; Hereditary Cancer Syndrome; Hereditary neoplastic syndrome. Identifiers: Orphanet 140162, MedGen C0027672, MeSH D009386, MONDO:0015356.
Lynch syndrome 5 (LYNCH5). Also called: Colorectal cancer, hereditary nonpolyposis, type 5; Hereditary non-polyposis colorectal cancer, type 5. Identifiers: Orphanet 144, MedGen C1833477, MONDO:0013710, OMIM 614350. Disease mechanism: loss of function.

Submissions (7):

Labcorp Genetics (formerly Invitae), Labcorp
Classification: Pathogenic for Hereditary nonpolyposis colorectal neoplasms. Last evaluated: 2026-01-18. Review status: criteria provided, single submitter. Criteria: Invitae Variant Classification Sherloc (09022015). Collection method: clinical testing. Allele origin: germline.
Comment: This variant, c.3485_3487del, results in the deletion of 1 amino acid(s) of the MSH6 protein (p.Ala1162del), but otherwise preserves the integrity of the reading frame. This variant is not present in population databases (gnomAD no frequency). This variant has been observed in individuals with Lynch syndrome (PMID: 22658618, 28514183; external communication, internal data). Invitae Evidence Modeling of clinical and family history, age, sex, and reported ancestry of multiple individuals with this MSH6 variant has been performed. This variant is expected to be pathogenic with a positive predictive value of at least 99%. This is a validated machine learning model that incorporates the clinical features of 1,627,235 individuals referred to our laboratory for MSH6 testing. ClinVar contains an entry for this variant (Variation ID: 140774). Experimental studies and prediction algorithms are not available or were not evaluated, and the functional significance of this variant is currently unknown. This variant disrupts a region of the MSH6 protein in which other variant(s) (p.Ala1162Asp) have been determined to be pathogenic (internal data). This suggests that this is a clinically significant region of the protein, and that variants that disrupt it are likely to be disease-causing. For these reasons, this variant has been classified as Pathogenic.

Women's Health and Genetics/Laboratory Corporation of America, LabCorp
Classification: Likely pathogenic for Hereditary nonpolyposis colon cancer. Last evaluated: 2025-11-11. Review status: criteria provided, single submitter. Criteria: LabCorp Variant Classification Summary - May 2015. Collection method: clinical testing. Allele origin: germline.
Comment: Variant summary: MSH6 c.3485_3487delCTG (p.Ala1162del) results in an in-frame deletion that is predicted to remove one amino acid from the encoded protein. The variant was absent in 251388 control chromosomes. c.3485_3487delCTG has been observed in individual(s) affected with Lynch Syndrome (Espenschied_2017, Lilyquist_2018, Pritchard_2012, Internal data). These data indicate that the variant is likely to be associated with disease. To our knowledge, no experimental evidence demonstrating an impact on protein function has been reported. The following publications have been ascertained in the context of this evaluation (PMID: 28514183, 28888541, 22658618). ClinVar contains an entry for this variant (Variation ID: 140774). Based on the evidence outlined above, the variant was classified as likely pathogenic.

Genetics Laboratory, Great Ormond Street Hospital NHS Foundation Trust, North Thames Genomic Laboratory Hub
Classification: Likely pathogenic for Inherited MMR deficiency (Lynch syndrome). Last evaluated: 2025-09-29. Review status: criteria provided, single submitter. Criteria: CanVIG MMR Gene Specific V1.7. Collection method: clinical testing. Allele origin: germline. Affected: yes.
Comment: PM2_moderate, PM4_supporting, PP4_strong

Ambry Genetics
Classification: Likely pathogenic for Hereditary cancer-predisposing syndrome. Last evaluated: 2025-09-02. Review status: criteria provided, single submitter. Criteria: Ambry Variant Classification Scheme 2023. Collection method: clinical testing. Allele origin: germline.
Comment: The c.3485_3487delCTG variant (also known as p.A1162del) is located in coding exon 6 of the MSH6 gene. This variant results from an in-frame CTG deletion at nucleotide positions 3485 to 3487. This results in the in-frame deletion of an alanine at codon 1162. This alteration has been identified in three individuals diagnosed with endometrial cancer. Tumor results for two of the individuals revealed loss of MSH6 protein expression on immunohistochemistry (IHC) while the third individual had a family history that met Amsterdam criteria (Ambry internal data). The alteration was also reported in an individual diagnosed with endometrial cancer and rectal cancer. Furthermore, tumor results from the endometrial cancer revealed microsatellite instability (MSI-H) (Goodfellow PJ et al. Proc. Natl. Acad. Sci. U.S.A. 2003 May;100(10: 5908-13). This alteration has also been reported in an individual with a personal history of uterine and breast cancers, and family history of uterine, colon and breast cancers (Schwartz CJ et al. Clin Cancer Res, 2022 Jan;28:404-413). The alanine residue resides in a well-defined functional domain and is adjacent to a helix that contains the MSH6 ATP binding p-loop (Warren JJ et al. Mol. Cell 2007 May;26(4):579-92). This amino acid position is highly conserved in available vertebrate species and the impacted region is critical for protein function (Ambry internal data). This variant is considered to be rare based on population cohorts in the Genome Aggregation Database (gnomAD). In addition, this alteration is predicted to be deleterious by in silico analysis (Choi Y et al. PLoS ONE 2012 ; 7(10):e46688). Based on the majority of available evidence to date, this variant is likely to be pathogenic.

GeneDx
Classification: Likely pathogenic. Last evaluated: 2025-06-12. Review status: criteria provided, single submitter. Criteria: GeneDx Variant Classification Process June 2021. Collection method: clinical testing. Allele origin: germline. Affected: yes.
Comment: Not observed at significant frequency in large population cohorts (gnomAD); In silico analysis supports a deleterious effect on protein structure/function; In-frame deletion of 1 amino acid(s) with an unclear effect on protein function; This variant is associated with the following publications: (PMID: 22658618, 12732731, 23056405, 17531815, 28888541, 28514183, 34667028, Plazzer2024[preprint], 21120944)

Color Diagnostics, LLC DBA Color Health
Classification: Likely pathogenic for Hereditary cancer-predisposing syndrome. Last evaluated: 2025-01-23. Review status: criteria provided, single submitter. Criteria: ACMG Guidelines, 2015. Collection method: clinical testing. Allele origin: germline.
Comment: This variant is an in-frame deletion of an alanine at codon 1162 in the ATPase domain of the MSH6 protein. To our knowledge, functional studies have not been published for this variant. This variant is reported to disrupt protein structure and impact function (ClinVar: SCV004185562.1). This variant has been reported in individuals affected with endometrial cancer, uterine, colorectal, breast cancer, and Lynch syndrome, with multiple tumors demonstrating loss of MSH6 protein via immunohistochemistry and/or high microsatellite instability (PMID: 22658618, 28514183, 28888541, 34667028; ClinVar: SCV000172773.10, SCV000624874.5). However, an individual affected with uterine cancer had tumor data demonstrating microsatellite stability and intact MSH6 protein (PMID: 34667028). This variant has not been identified in the general population by the Genome Aggregation Database (gnomAD). A missense variant affecting codon 1162, c.3485C>A (p.Ala1162Asp), is considered to be disease-causing (ClinVar variation ID: 127587), suggesting that this position is important for the protein function. Loss of MSH6 function is a known mechanism of disease. Based on the available evidence, this variant is classified as Likely Pathogenic.

Myriad Genetics, Inc.
Classification: Pathogenic for Lynch syndrome 5. Last evaluated: 2023-08-24. Review status: criteria provided, single submitter. Criteria: Myriad Autosomal Dominant, Autosomal Recessive and X-Linked Classification Criteria (2023). Collection method: clinical testing. Allele origin: unknown.
Comment: This variant is considered pathogenic. Functional studies indicate this variant impacts protein function [Myriad internal data]. This variant is expected to disrupt protein structure [Myriad internal data]. This variant is strongly associated with more severe personal and family histories of cancer, typical for individuals with pathogenic variants in this gene [PMID: 27363726].

Literature cited by the submitters: PubMed 22658618 (cited by 3 submitters); PubMed 28514183 (cited by 3 submitters); PubMed 28888541 (cited by Women's Health and Genetics/Laboratory Corporation of America, LabCorp and Color Diagnostics, LLC DBA Color Health); PubMed 12732731 (cited by Ambry Genetics); PubMed 17531815 (cited by Ambry Genetics); PubMed 23056405 (cited by Ambry Genetics); PubMed 34667028 (cited by Ambry Genetics and Color Diagnostics, LLC DBA Color Health); PubMed 27363726 (cited by Myriad Genetics, Inc.).

NM_000179.3(MSH6):c.3482CTG[1] (p.Ala1162del)

Gene: MSH6 (mutS homolog 6; plus strand). Cytogenetic location: 2p16.3.
Variant type: Microsatellite.
Coding change: c.3482CTG[1] on transcript NM_000179.3 (MANE Select); one copy of the 3-base unit CTG starting at c.3482; the reference has two copies in a row; one copy, 3 bases deleted; also written c.3485_3487del.
Protein change: p.Ala1162del; deletes alanine 1162.
Molecular consequence: inframe deletion.
Genome position (GRCh38, 1-based): chr2:47,804,956-47,804,958, CTG deleted; deleting any 3 consecutive bases within chr2:47,804,953-47,804,958 gives the same sequence; the position shown is the placement nearest the transcript's 3' end. VCF-style (leftmost placement, unchanged base first): chr2-47804952-CCTG-C. GRCh37 (hg19) VCF-style: chr2-48032091-CCTG-C.
Other names: c.3092CTG[1], p.Ala1032del (NM_001281492.2); c.2576CTG[1], p.Ala860del (NM_001281493.2, NM_001281494.2); c.3485_3487delCTG (NM_000179.2, NM_000179.3); c.3485_3487del (NM_000179.3); short protein forms A1162del, A860del, A1032del.
Identifiers: ClinVar variation 140774 (VCV000140774.24), dbSNP rs63751427, ClinGen allele CA013076.